The following is an entry in ClinVar:

ClinVar aggregate classification (germline): Uncertain significance. Review status: criteria provided, multiple submitters, no conflicts (2 of 4 stars). 2 submissions from 2 submitters: Uncertain significance (2). Last evaluated 2024-05-22.

Conditions:
Hereditary nonpolyposis colorectal neoplasms. Identifiers: MedGen C0009405, MeSH D003123.
Hereditary cancer-predisposing syndrome. Also called: Hereditary Cancer Syndrome; Hereditary neoplastic syndrome; Neoplastic Syndromes, Hereditary; Tumor predisposition. Identifiers: Orphanet 140162, MedGen C0027672, MeSH D009386, MONDO:0015356.

Submissions (2):

Ambry Genetics
Classification: Uncertain significance for Hereditary cancer-predisposing syndrome. Last evaluated: 2024-05-22. Review status: criteria provided, single submitter. Criteria: Ambry Variant Classification Scheme 2023. Collection method: clinical testing. Allele origin: germline.
Comment: The p.V75I variant (also known as c.223G>A), located in coding exon 3 of the PMS2 gene, results from a G to A substitution at nucleotide position 223. The valine at codon 75 is replaced by isoleucine, an amino acid with highly similar properties. This amino acid position is conserved. In addition, the in silico prediction for this alteration is inconclusive. Based on the available evidence, the clinical significance of this variant remains unclear.

Labcorp Genetics (formerly Invitae), Labcorp
Classification: Uncertain significance for Hereditary nonpolyposis colorectal neoplasms. Last evaluated: 2021-03-22. Review status: criteria provided, single submitter. Criteria: Invitae Variant Classification Sherloc (09022015). Collection method: clinical testing. Allele origin: germline.
Comment: This sequence change replaces valine with isoleucine at codon 75 of the PMS2 protein (p.Val75Ile). The valine residue is highly conserved and there is a small physicochemical difference between valine and isoleucine. This variant is not present in population databases (ExAC no frequency). This variant has not been reported in the literature in individuals with a PMS2-related disease. Algorithms developed to predict the effect of missense changes on protein structure and function do not agree on the potential impact of this missense change (SIFT: "Tolerated"; PolyPhen-2: "Probably Damaging"; Align-GVGD: "Class C0"). In summary, this variant has uncertain impact on PMS2 function. The available evidence is currently insufficient to determine its role in disease. Therefore, it has been classified as a Variant of Uncertain Significance.

NM_000535.7(PMS2):c.223G>A (p.Val75Ile)

Gene: PMS2 (PMS1 homolog 2, mismatch repair system component; minus strand). Cytogenetic location: 7p22.1.
Variant type: single nucleotide variant.
Coding change: c.223G>A on transcript NM_000535.7 (MANE Select); coding-DNA position 223, G replaced by A.
Protein change: p.Val75Ile; replaces valine 75 with isoleucine.
Molecular consequence: missense variant. On other transcripts: 5 prime UTR variant (9), non-coding transcript variant (1).
Genome position (GRCh38, 1-based): chr7:6,003,999, C>T on the plus strand (G>A on the coding strand, the complement: PMS2 is on the minus strand). VCF-style: chr7-6003999-C-T. GRCh37 (hg19) VCF-style: chr7-6043630-C-T.
Other names: c.-183G>A (NM_001322005.2, NM_001322003.2, NM_001322004.2 and 3 more transcripts); c.223G>A, p.Val75Ile (NM_001322006.2, NM_001322014.2); c.8G>A, p.Gly3Asp (NM_001322007.2, NM_001322008.2); c.-662G>A (NM_001322011.2, NM_001322012.2); c.-262G>A (NM_001322015.2); short protein forms V75I, G3D.
Identifiers: ClinVar variation 455695 (VCV000455695.9), dbSNP rs1554304971, ClinGen allele CA366744812.
Genomic context (GRCh38, chr7:6,003,999, plus strand): 5'-ATTTTATAATAGGATTAGAAAAAGTCAACTTACTTAAGCCTTCGAAGTTTTCTTCTTCTA[C>T]CCCACATCCATTGTCTGAAACTTCAATAAGATCCACTCCATAGTCCTTAAGCTTTAGATC-3'
Protein context (NP_000526.2, residues 65-85): LIEVSDNGCG[Val75Ile]EEENFEGLTL